The following is an entry in ClinVar:

ClinVar aggregate classification (germline): Conflicting classifications of pathogenicity. Review status: criteria provided, conflicting classifications (1 of 4 stars). 2 submissions from 2 submitters: Uncertain significance (1); Likely benign (1). Last evaluated 2026-01-07.

Conditions:
Dystonic disorder. Also called: Dystonia. Identifiers: MedGen C0013421, MONDO:0003441, HP:0001332.

Allele frequency attached by ClinVar (database versions not stated): gnomAD exomes 0.00004 and 0.00011; TOPMed 0.00005; ESP Exome Variant Server 0.00008; ExAC 0.00009.
gnomAD v4.1: 55 of 1,614,060 alleles (0.0034%); highest among the groups gnomAD compares: Admixed American, 0.037%; no homozygotes.

Submissions (2):

Labcorp Genetics (formerly Invitae), Labcorp
Classification: Uncertain significance for Dystonic disorder. Last evaluated: 2026-01-07. Review status: criteria provided, single submitter. Criteria: Invitae Variant Classification Sherloc (09022015). Collection method: clinical testing. Allele origin: germline.
Comment: This sequence change replaces valine, which is neutral and non-polar, with isoleucine, which is neutral and non-polar, at codon 689 of the CIZ1 protein (p.Val689Ile). This variant is present in population databases (rs139103399, gnomAD 0.06%), and has an allele count higher than expected for a pathogenic variant. This variant has not been reported in the literature in individuals affected with CIZ1-related conditions. ClinVar contains an entry for this variant (Variation ID: 573162). An algorithm developed to predict the effect of missense changes on protein structure and function outputs the following: PolyPhen-2: "Benign". The isoleucine amino acid residue is found in multiple mammalian species, which suggests that this missense change does not adversely affect protein function. In summary, the available evidence is currently insufficient to determine the role of this variant in disease. Therefore, it has been classified as a Variant of Uncertain Significance.

Ambry Genetics
Classification: Likely benign. Last evaluated: 2021-12-07. Review status: criteria provided, single submitter. Criteria: Ambry Variant Classification Scheme 2023. Collection method: clinical testing. Allele origin: germline.

NM_001131016.2(CIZ1):c.2065G>A (p.Val689Ile)

Gene: CIZ1 (CDKN1A interacting zinc finger protein 1; minus strand). Cytogenetic location: 9q34.11.
Variant type: single nucleotide variant.
Coding change: c.2065G>A on transcript NM_001131016.2 (MANE Select); coding-DNA position 2065, G replaced by A.
Protein change: p.Val689Ile; replaces valine 689 with isoleucine.
Molecular consequence: missense variant.
Genome position (GRCh38, 1-based): chr9:128,169,486, C>T on the plus strand (G>A on the coding strand, the complement: CIZ1 is on the minus strand). VCF-style: chr9-128169486-C-T. GRCh37 (hg19) VCF-style: chr9-130931765-C-T.
Other names: c.1897G>A, p.Val633Ile (NM_001131015.2); c.1882G>A, p.Val628Ile (NM_001131017.2); c.1825G>A, p.Val609Ile (NM_001131018.2); c.2233G>A, p.Val745Ile (NM_001257975.2); c.1762G>A, p.Val588Ile (NM_001257976.2); c.2065G>A, p.Val689Ile (NM_012127.3); short protein forms V689I, V633I, V588I, V609I, V628I, V745I.
Identifiers: ClinVar variation 573162 (VCV000573162.9), dbSNP rs139103399, ClinGen allele CA5257118.